The following is an entry in ClinVar:

ClinVar aggregate classification (germline): Uncertain significance (1 of 4 stars; one submission).

Conditions:
Werner syndrome (WRN). Identifiers: Orphanet 902, MedGen C0043119, MONDO:0010196, OMIM 277700.

Submission:

Labcorp Genetics (formerly Invitae), Labcorp
Classification: Uncertain significance for Werner syndrome. Last evaluated: 2023-09-08. Review status: criteria provided, single submitter. Criteria: Invitae Variant Classification Sherloc (09022015). Collection method: clinical testing. Allele origin: germline.
Comment: In summary, the available evidence is currently insufficient to determine the role of this variant in disease. Therefore, it has been classified as a Variant of Uncertain Significance. Algorithms developed to predict the effect of missense changes on protein structure and function output the following: SIFT: "Not Available"; PolyPhen-2: "Benign"; Align-GVGD: "Not Available". The glycine amino acid residue is found in multiple mammalian species, which suggests that this missense change does not adversely affect protein function. ClinVar contains an entry for this variant (Variation ID: 403992). This variant has not been reported in the literature in individuals affected with WRN-related conditions. This variant is not present in population databases (gnomAD no frequency). This sequence change replaces cysteine, which is neutral and slightly polar, with glycine, which is neutral and non-polar, at codon 391 of the WRN protein (p.Cys391Gly).

NM_000553.6(WRN):c.1171T>G (p.Cys391Gly)

Gene: WRN (WRN RecQ like helicase; plus strand). Cytogenetic location: 8p12.
Variant type: single nucleotide variant.
Coding change: c.1171T>G on transcript NM_000553.6 (MANE Select); coding-DNA position 1171, T replaced by G.
Protein change: p.Cys391Gly; replaces cysteine 391 with glycine.
Molecular consequence: missense variant.
Genome position (GRCh38, 1-based): chr8:31,081,198, T>G. VCF-style: chr8-31081198-T-G. GRCh37 (hg19) VCF-style: chr8-30938714-T-G.
Other names: short protein forms C391G.
Identifiers: ClinVar variation 403992 (VCV000403992.3), dbSNP rs1060500062, ClinGen allele CA16612476.